The following is an entry in ClinVar:

ClinVar aggregate classification (germline): Conflicting classifications of pathogenicity. Review status: criteria provided, conflicting classifications (1 of 4 stars). 5 submissions from 5 submitters: Uncertain significance (4); Likely benign (1). Last evaluated 2025-12-17.

Conditions:
Intellectual disability, autosomal dominant 16 (CSS4). Also called: COFFIN-SIRIS SYNDROME 4. Identifiers: Orphanet 1465, MedGen C3553249, MONDO:0013821, OMIM 614609.
Rhabdoid tumor predisposition syndrome 2 (RTPS2). Identifiers: Orphanet 231108, Orphanet 69077, MedGen C2750074, MONDO:0013224, OMIM 613325.
Hereditary cancer-predisposing syndrome. Also called: Neoplastic Syndromes, Hereditary; Hereditary Cancer Syndrome; Tumor predisposition; Hereditary neoplastic syndrome. Identifiers: Orphanet 140162, MedGen C0027672, MeSH D009386, MONDO:0015356.

Allele frequency attached by ClinVar (database versions not stated): ExAC 0.00001; gnomAD 0.00001; gnomAD exomes 0.00001; TOPMed 0.00001.
gnomAD v4.1: 5 of 1,613,898 alleles (0.00031%); highest among the groups gnomAD compares: Admixed American, 0.0067%; no homozygotes.

Submissions (5):

Labcorp Genetics (formerly Invitae), Labcorp
Classification: Likely benign for Rhabdoid tumor predisposition syndrome 2. Last evaluated: 2025-12-17. Review status: criteria provided, single submitter. Criteria: Invitae Variant Classification Sherloc (09022015). Collection method: clinical testing. Allele origin: germline.

Ambry Genetics
Classification: Uncertain significance for Hereditary cancer-predisposing syndrome. Last evaluated: 2025-08-19. Review status: criteria provided, single submitter. Criteria: Ambry Variant Classification Scheme 2023. Collection method: clinical testing. Allele origin: germline.
Comment: The c.2438+4A>C intronic variant results from an A to C substitution 4 nucleotides after coding exon 15 in the SMARCA4 gene. This nucleotide position is well conserved in available vertebrate species. This variant has been detected in multiple individuals with no reported features of Coffin-Sirus syndrome-associated disease (Ambry internal data). In silico splice site analysis predicts that this alteration will not have any significant effect on splicing; however, direct evidence is insufficient at this time (Ambry internal data). Based on the supporting evidence, the association of this alteration with rhabdoid tumor predisposition syndrome is unknown; however, the association of this alteration with Coffin-Siris syndrome is unlikely.

Sema4
Classification: Uncertain significance for Hereditary cancer-predisposing syndrome. Last evaluated: 2021-09-09. Review status: criteria provided, single submitter. Criteria: Sema4 Curation Guidelines. Collection method: curation. Allele origin: germline.
Comment: The SMARCA4 c.2438+4A>C variant has not been reported in the literature to our knowledge. It was observed in 2/34536 chromosomes of the Latino subpopulation in the large and broad cohorts of the Genome Aggregation Database (PMID: 32461654) and has been reported in ClinVar (Variation ID 572876). In silico tools suggest the variant may disrupt normal splicing, though these predictions have not been confirmed by functional studies. The evidence is insufficient to meet ACMG/AMP criteria for classifying the variant as benign or pathogenic. Thus, the clinical significance of this variant is currently uncertain.

Genome-Nilou Lab
Classification: Uncertain significance for Intellectual disability, autosomal dominant 16. Last evaluated: 2021-07-15. Review status: criteria provided, single submitter. Criteria: ACMG Guidelines, 2015. Collection method: clinical testing. Allele origin: germline. Affected: no.

Fulgent Genetics
Classification: Uncertain significance for Rhabdoid tumor predisposition syndrome 2; Intellectual disability, autosomal dominant 16. Last evaluated: 2018-10-31. Review status: criteria provided, single submitter. Criteria: ACMG Guidelines, 2015. Collection method: clinical testing. Allele origin: unknown.

NM_003072.5(SMARCA4):c.2438+4A>C

Gene: SMARCA4 (SWI/SNF related BAF chromatin remodeling complex subunit ATPase 4; plus strand). Cytogenetic location: 19p13.2.
Variant type: single nucleotide variant.
Coding change: c.2438+4A>C on transcript NM_003072.5 (MANE Select); 4 bases into the intron after coding-DNA position 2438, A replaced by C.
Molecular consequence: intron variant.
Genome position (GRCh38, 1-based): chr19:11,013,116, A>C. VCF-style: chr19-11013116-A-C. GRCh37 (hg19) VCF-style: chr19-11123792-A-C.
Other names: c.2438+4A>C (NM_001128844.3, NM_001128849.3, NM_001128847.4 and 5 more transcripts).
Identifiers: ClinVar variation 572876 (VCV000572876.16), dbSNP rs771818596, ClinGen allele CA9204101.
Genomic context (GRCh38, chr19:11,013,116, plus strand): 5'-GTACCTCATGGAGCACAAACGCATCAATGGGCCCTTCCTCATCATCGTGCCTCTCTCGTG[A>C]GTACCCGCTGCCAGCAACATCCCACACGCCGCTCACACGCTCCTGTGTTTGTTTCCTAAG-3'